The following is an entry in ClinVar:

NM_013352.4(DSE):c.1004G>A (p.Arg335His)

Gene: DSE (dermatan sulfate epimerase; plus strand). Cytogenetic location: 6q22.1.
Variant type: single nucleotide variant.
Coding change: c.1004G>A on transcript NM_013352.4 (MANE Select); coding-DNA position 1004, G replaced by A.
Protein change: p.Arg335His; replaces arginine 335 with histidine.
Molecular consequence: missense variant. On other transcripts: intron variant (2).
Genome position (GRCh38, 1-based): chr6:116,433,436, G>A. VCF-style: chr6-116433436-G-A. GRCh37 (hg19) VCF-style: chr6-116754599-G-A.
Other names: c.1004G>A, p.Arg335His (NM_001080976.3, NM_001322937.2, NM_001322938.2); c.1061G>A, p.Arg354His (NM_001322939.2); c.443G>A, p.Arg148His (NM_001322940.2, NM_001322941.2); c.911-2151G>A (NM_001322944.2); c.671-2151G>A (NM_001322943.2); short protein forms R335H, R148H, R354H.
Identifiers: ClinVar variation 392192 (VCV000392192.17), dbSNP rs371480627, ClinGen allele CA3969607.

ClinVar aggregate classification (germline): Conflicting classifications of pathogenicity. Review status: criteria provided, conflicting classifications (1 of 4 stars). 5 submissions from 5 submitters: Uncertain significance (3); Likely benign (2). Last evaluated 2026-04-08.

Conditions:
Ehlers-Danlos syndrome, musculocontractural type 2 (EDSMC2). Identifiers: Orphanet 2953, MedGen C3809845, MONDO:0014236, OMIM 615539.

Allele frequency attached by ClinVar (database versions not stated): ESP Exome Variant Server 0.00008; ExAC 0.00009; TOPMed 0.00016; gnomAD 0.00029; gnomAD exomes 0.00039.
gnomAD v4.1: 256 of 1,551,972 alleles (0.016%); highest among the groups gnomAD compares: East Asian, 0.044%; no homozygotes.

Submissions (5):

Women's Health and Genetics/Laboratory Corporation of America, LabCorp
Classification: Likely benign. Last evaluated: 2026-04-08. Review status: criteria provided, single submitter. Criteria: LabCorp Variant Classification Summary - May 2015. Collection method: clinical testing. Allele origin: germline.
Comment: Variant summary: DSE c.1004G>A (p.Arg335His) results in a non-conservative amino acid change in the encoded protein sequence. Algorithms developed to predict the effect of missense changes on protein structure and function are either unavailable or do not agree on the potential impact of this missense change. The variant allele was found at a frequency of 0.00039 in 157522 control chromosomes, predominantly at a frequency of 0.0022 within the Finnish subpopulation in the gnomAD database. The observed variant frequency within Finnish control individuals in the gnomAD database exceeds the estimated maximal expected allele frequency for disease-causing variants in DSE. To our knowledge, no occurrence of c.1004G>A in individuals affected with DSE-related conditions and no experimental evidence demonstrating its impact on protein function have been reported. ClinVar contains an entry for this variant (Variation ID: 392192). Based on the evidence outlined above, the variant was classified as likely benign.

CeGaT Center for Human Genetics Tuebingen
Classification: Uncertain significance. Last evaluated: 2026-03-01. Review status: criteria provided, single submitter. Criteria: CeGaT Center For Human Genetics Tuebingen Variant Classification Criteria Version 2. Collection method: clinical testing. Allele origin: germline. Affected: yes. Observed: 1 variant allele.
Comment: DSE: PM2

Labcorp Genetics (formerly Invitae), Labcorp
Classification: Likely benign for Ehlers-Danlos syndrome, musculocontractural type 2. Last evaluated: 2026-01-08. Review status: criteria provided, single submitter. Criteria: Invitae Variant Classification Sherloc (09022015). Collection method: clinical testing. Allele origin: germline.

GeneDx
Classification: Uncertain significance. Last evaluated: 2025-05-15. Review status: criteria provided, single submitter. Criteria: GeneDx Variant Classification Process June 2021. Collection method: clinical testing. Allele origin: germline. Affected: yes.
Comment: Has not been previously published as pathogenic or benign in association with a DSE-related disorder to our knowledge; In silico analysis supports that this missense variant has a deleterious effect on protein structure/function; This variant is associated with the following publications: (PMID: 29618732)

Department of Pathology and Laboratory Medicine, Sinai Health System
Classification: Uncertain significance for Ehlers-Danlos syndrome, musculocontractural type 2. Last evaluated: 2021-10-21. Review status: criteria provided, single submitter. Criteria: ACMG Guidelines, 2015. Collection method: research. Allele origin: germline.